The following is an entry in ClinVar:

ClinVar aggregate classification (germline): Uncertain significance (1 of 4 stars; one submission).

Conditions:
KBG syndrome (KBGS). Also called: ANKRD11-Related KBG Syndrome. Identifiers: Orphanet 2332, MedGen C0220687, MONDO:0007846, OMIM 148050.

Allele frequency attached by ClinVar (database versions not stated): gnomAD exomes below 0.00001; TOPMed 0.00002.

Submission:

Labcorp Genetics (formerly Invitae), Labcorp
Classification: Uncertain significance for KBG syndrome. Last evaluated: 2025-02-10. Review status: criteria provided, single submitter. Criteria: Invitae Variant Classification Sherloc (09022015). Collection method: clinical testing. Allele origin: germline.
Comment: This sequence change replaces alanine, which is neutral and non-polar, with valine, which is neutral and non-polar, at codon 2364 of the ANKRD11 protein (p.Ala2364Val). This variant is present in population databases (no rsID available, gnomAD 0.04%). This variant has not been reported in the literature in individuals affected with ANKRD11-related conditions. ClinVar contains an entry for this variant (Variation ID: 2903883). Invitae Evidence Modeling of protein sequence and biophysical properties (such as structural, functional, and spatial information, amino acid conservation, physicochemical variation, residue mobility, and thermodynamic stability) indicates that this missense variant is not expected to disrupt ANKRD11 protein function with a negative predictive value of 95%. In summary, the available evidence is currently insufficient to determine the role of this variant in disease. Therefore, it has been classified as a Variant of Uncertain Significance.

NM_013275.6(ANKRD11):c.7091C>T (p.Ala2364Val)

Gene: ANKRD11 (ankyrin repeat domain 11; minus strand). Cytogenetic location: 16q24.3.
Variant type: single nucleotide variant.
Coding change: c.7091C>T on transcript NM_013275.6 (MANE Select); coding-DNA position 7091, C replaced by T.
Protein change: p.Ala2364Val; replaces alanine 2364 with valine.
Molecular consequence: missense variant.
Genome position (GRCh38, 1-based): chr16:89,279,451, G>A on the plus strand (C>T on the coding strand, the complement: ANKRD11 is on the minus strand). VCF-style: chr16-89279451-G-A. GRCh37 (hg19) VCF-style: chr16-89345859-G-A.
Other names: c.7091C>T, p.Ala2364Val (NM_001256182.2, NM_001256183.2); short protein forms A2364V.
Identifiers: ClinVar variation 2903883 (VCV002903883.3), dbSNP rs1366344146, ClinGen allele CA397149345.